The following is an entry in ClinVar:

NM_024675.4(PALB2):c.700G>A (p.Asp234Asn)

Gene: PALB2 (partner and localizer of BRCA2; minus strand). Cytogenetic location: 16p12.2.
Variant type: single nucleotide variant.
Coding change: c.700G>A on transcript NM_024675.4 (MANE Select); coding-DNA position 700, G replaced by A.
Protein change: p.Asp234Asn; replaces aspartic acid 234 with asparagine.
Molecular consequence: missense variant.
Genome position (GRCh38, 1-based): chr16:23,635,846, C>T on the plus strand (G>A on the coding strand, the complement: PALB2 is on the minus strand). VCF-style: chr16-23635846-C-T. GRCh37 (hg19) VCF-style: chr16-23647167-C-T.
Other names: short protein forms D234N.
Identifiers: ClinVar variation 1696390 (VCV001696390.3), dbSNP rs868149939, ClinGen allele CA395136377.

ClinVar aggregate classification (germline): Uncertain significance. Review status: criteria provided, multiple submitters, no conflicts (2 of 4 stars). 2 submissions from 2 submitters: Uncertain significance (2). Last evaluated 2022-05-04.

Conditions:
Hereditary cancer-predisposing syndrome. Also called: Hereditary neoplastic syndrome; Tumor predisposition; Neoplastic Syndromes, Hereditary; Hereditary Cancer Syndrome. Identifiers: Orphanet 140162, MedGen C0027672, MeSH D009386, MONDO:0015356.

Submissions (2):

Women's Health and Genetics/Laboratory Corporation of America, LabCorp
Classification: Uncertain significance. Last evaluated: 2022-05-04. Review status: criteria provided, single submitter. Criteria: LabCorp Variant Classification Summary - May 2015. Collection method: clinical testing. Allele origin: germline.
Comment: Variant summary: PALB2 c.700G>A (p.Asp234Asn) results in a conservative amino acid change in the encoded protein sequence. Five of five in-silico tools predict a benign effect of the variant on protein function. The variant was absent in 251110 control chromosomes. The available data on variant occurrences in the general population are insufficient to allow any conclusion about variant significance. To our knowledge, no occurrence of c.700G>A in individuals affected with Prostate Cancer and no experimental evidence demonstrating its impact on protein function have been reported. No clinical diagnostic laboratories have submitted clinical-significance assessments for this variant to ClinVar after 2014. Based on the evidence outlined above, the variant was classified as uncertain significance.

Ambry Genetics
Classification: Uncertain significance for Hereditary cancer-predisposing syndrome. Last evaluated: 2020-07-14. Review status: criteria provided, single submitter. Criteria: Ambry Variant Classification Scheme 2023. Collection method: clinical testing. Allele origin: germline.
Comment: The p.D234N variant (also known as c.700G>A), located in coding exon 4 of the PALB2 gene, results from a G to A substitution at nucleotide position 700. The aspartic acid at codon 234 is replaced by asparagine, an amino acid with highly similar properties. This amino acid position is well conserved in available vertebrate species. In addition, this alteration is predicted to be tolerated by in silico analysis. Since supporting evidence is limited at this time, the clinical significance of this alteration remains unclear.